The following is an entry in ClinVar:

NM_001114753.3(ENG):c.692C>A (p.Pro231His)

Gene: ENG (endoglin; minus strand). Cytogenetic location: 9q34.11.
Variant type: single nucleotide variant.
Coding change: c.692C>A on transcript NM_001114753.3 (MANE Select); coding-DNA position 692, C replaced by A.
Protein change: p.Pro231His; replaces proline 231 with histidine.
Molecular consequence: missense variant.
Genome position (GRCh38, 1-based): chr9:127,825,355, G>T on the plus strand (C>A on the coding strand, the complement: ENG is on the minus strand). VCF-style: chr9-127825355-G-T. GRCh37 (hg19) VCF-style: chr9-130587634-G-T.
Other names: c.692C>A (NM_001114753.1); c.692C>A, p.Pro231His (NM_000118.4, NM_001406715.1); c.146C>A, p.Pro49His (NM_001278138.2); short protein forms P49H, P231H.
Identifiers: ClinVar variation 1419332 (VCV001419332.9), dbSNP rs1289232116, ClinGen allele CA374983464.

ClinVar aggregate classification (germline): Conflicting classifications of pathogenicity. Review status: criteria provided, conflicting classifications (1 of 4 stars). 2 submissions from 2 submitters: Uncertain significance (1); Likely benign (1). Last evaluated 2024-05-08.

Conditions:
Hereditary hemorrhagic telangiectasia (HHT). Also called: ORW DISEASE; Osler Weber Rendu syndrome; OSLER-RENDU-WEBER DISEASE; Osler hemorrhagic telangiectasia syndrome. Identifiers: Orphanet 774, MedGen C0039445, MONDO:0019180. Disease mechanism: loss of function.
Cardiovascular phenotype. Identifiers: MedGen CN230736.

Allele frequency attached by ClinVar (database versions not stated): TOPMed 0.00001.
gnomAD v4.1: 6 of 1,610,166 alleles (0.00037%); highest among the groups gnomAD compares: East Asian, 0.0089%; no homozygotes.

Submissions (2):

Labcorp Genetics (formerly Invitae), Labcorp
Classification: Uncertain significance for Hereditary hemorrhagic telangiectasia. Last evaluated: 2024-05-08. Review status: criteria provided, single submitter. Criteria: Invitae Variant Classification Sherloc (09022015). Collection method: clinical testing. Allele origin: germline.
Comment: This sequence change replaces proline, which is neutral and non-polar, with histidine, which is basic and polar, at codon 231 of the ENG protein (p.Pro231His). This variant is present in population databases (no rsID available, gnomAD 0.02%). This variant has not been reported in the literature in individuals affected with ENG-related conditions. ClinVar contains an entry for this variant (Variation ID: 1419332). An algorithm developed to predict the effect of missense changes on protein structure and function (PolyPhen-2) suggests that this variant is likely to be tolerated. In summary, the available evidence is currently insufficient to determine the role of this variant in disease. Therefore, it has been classified as a Variant of Uncertain Significance.

Ambry Genetics
Classification: Likely benign for Cardiovascular phenotype. Last evaluated: 2023-01-06. Review status: criteria provided, single submitter. Criteria: Ambry Variant Classification Scheme 2023. Collection method: clinical testing. Allele origin: germline.